The following is an entry in ClinVar:

NM_020297.4(ABCC9):c.2653A>G (p.Met885Val)

Gene: ABCC9 (ATP binding cassette subfamily C member 9; minus strand). Cytogenetic location: 12p12.1.
Variant type: single nucleotide variant.
Coding change: c.2653A>G on transcript NM_020297.4 (MANE Select); coding-DNA position 2653, A replaced by G.
Protein change: p.Met885Val; replaces methionine 885 with valine.
Molecular consequence: missense variant.
Genome position (GRCh38, 1-based): chr12:21,852,213, T>C on the plus strand (A>G on the coding strand, the complement: ABCC9 is on the minus strand). VCF-style: chr12-21852213-T-C. GRCh37 (hg19) VCF-style: chr12-22005147-T-C.
Other names: c.2653A>G, p.Met885Val (NM_001377273.1, NM_005691.4); c.1786A>G, p.Met596Val (NM_001377274.1); short protein forms M596V, M885V.
Identifiers: ClinVar variation 1794345 (VCV001794345.5), dbSNP rs2541134783, ClinGen allele CA384124295.

ClinVar aggregate classification (germline): Uncertain significance. Review status: criteria provided, multiple submitters, no conflicts (2 of 4 stars). 2 submissions from 2 submitters: Uncertain significance (2). Last evaluated 2025-11-12.

Conditions:
Cardiovascular phenotype. Identifiers: MedGen CN230736.
Dilated cardiomyopathy 1O (CMD1O). Also called: CARDIOMYOPATHY, DILATED, WITH VENTRICULAR TACHYCARDIA. Identifiers: Orphanet 154, MedGen C1837839, MONDO:0012062, OMIM 608569.

Allele frequency attached by ClinVar (database versions not stated): gnomAD exomes below 0.00001.
gnomAD v4.1: 1 of 1,613,872 alleles (0.000062%); highest among the groups gnomAD compares: African/African-American, 0.0013%; no homozygotes.

Submissions (2):

Labcorp Genetics (formerly Invitae), Labcorp
Classification: Uncertain significance for Dilated cardiomyopathy 1O. Last evaluated: 2025-11-12. Review status: criteria provided, single submitter. Criteria: Invitae Variant Classification Sherloc (09022015). Collection method: clinical testing. Allele origin: germline.
Comment: This sequence change replaces methionine, which is neutral and non-polar, with valine, which is neutral and non-polar, at codon 885 of the ABCC9 protein (p.Met885Val). This variant is not present in population databases (gnomAD no frequency). This variant has not been reported in the literature in individuals affected with ABCC9-related conditions. ClinVar contains an entry for this variant (Variation ID: 1794345). Invitae Evidence Modeling of protein sequence and biophysical properties (such as structural, functional, and spatial information, amino acid conservation, physicochemical variation, residue mobility, and thermodynamic stability) indicates that this missense variant is expected to disrupt ABCC9 protein function with a positive predictive value of 95%. In summary, the available evidence is currently insufficient to determine the role of this variant in disease. Therefore, it has been classified as a Variant of Uncertain Significance.

Ambry Genetics
Classification: Uncertain significance for Cardiovascular phenotype. Last evaluated: 2021-06-24. Review status: criteria provided, single submitter. Criteria: Ambry Variant Classification Scheme 2023. Collection method: clinical testing. Allele origin: germline.
Comment: The p.M885V variant (also known as c.2653A>G), located in coding exon 22 of the ABCC9 gene, results from an A to G substitution at nucleotide position 2653. The methionine at codon 885 is replaced by valine, an amino acid with highly similar properties. This amino acid position is highly conserved in available vertebrate species. In addition, this alteration is predicted to be deleterious by in silico analysis. Since supporting evidence is limited at this time, the clinical significance of this alteration remains unclear.